The following is an entry in ClinVar:

ClinVar aggregate classification (germline): Uncertain significance (1 of 4 stars; one submission).

Conditions:
Charcot-Marie-Tooth disease type 2. Also called: Charcot-Marie-Tooth type 2. Identifiers: Orphanet 64746, MedGen C0270914, MONDO:0018993.

Submission:

Labcorp Genetics (formerly Invitae), Labcorp
Classification: Uncertain significance for Charcot-Marie-Tooth disease type 2. Last evaluated: 2021-01-20. Review status: criteria provided, single submitter. Criteria: Invitae Variant Classification Sherloc (09022015). Collection method: clinical testing. Allele origin: germline.
Comment: In summary, the available evidence is currently insufficient to determine the role of this variant in disease. Therefore, it has been classified as a Variant of Uncertain Significance. Algorithms developed to predict the effect of missense changes on protein structure and function are either unavailable or do not agree on the potential impact of this missense change (SIFT: "Deleterious"; PolyPhen-2: "Possibly Damaging"; Align-GVGD: "Class C0"). This variant has not been reported in the literature in individuals with AARS-related conditions. This variant is not present in population databases (ExAC no frequency). This sequence change replaces aspartic acid with histidine at codon 482 of the AARS protein (p.Asp482His). The aspartic acid residue is moderately conserved and there is a moderate physicochemical difference between aspartic acid and histidine.

NM_001605.3(AARS1):c.1444G>C (p.Asp482His)

Gene: AARS1 (alanyl-tRNA synthetase 1; minus strand). Cytogenetic location: 16q22.1.
Variant type: single nucleotide variant.
Coding change: c.1444G>C on transcript NM_001605.3 (MANE Select); coding-DNA position 1444, G replaced by C.
Protein change: p.Asp482His; replaces aspartic acid 482 with histidine.
Molecular consequence: missense variant.
Genome position (GRCh38, 1-based): chr16:70,265,006, C>G on the plus strand (G>C on the coding strand, the complement: AARS1 is on the minus strand). VCF-style: chr16-70265006-C-G. GRCh37 (hg19) VCF-style: chr16-70298909-C-G.
Other names: short protein forms D482H.
Identifiers: ClinVar variation 1682223 (VCV001682223.8), dbSNP rs763513667, ClinGen allele CA396561208.